The following is an entry in ClinVar:

NM_015721.3(GEMIN4):c.2534A>G (p.Glu845Gly)

Gene: GEMIN4 (gem nuclear organelle associated protein 4; minus strand). Cytogenetic location: 17p13.3.
Variant type: single nucleotide variant.
Coding change: c.2534A>G on transcript NM_015721.3 (MANE Select); coding-DNA position 2534, A replaced by G.
Protein change: p.Glu845Gly; replaces glutamic acid 845 with glycine.
Molecular consequence: missense variant.
Genome position (GRCh38, 1-based): chr17:745,509, T>C on the plus strand (A>G on the coding strand, the complement: GEMIN4 is on the minus strand). VCF-style: chr17-745509-T-C. GRCh37 (hg19) VCF-style: chr17-648749-T-C.
Other names: short protein forms E845G.
Identifiers: ClinVar variation 3361486 (VCV003361486.1).
Genomic context (GRCh38, chr17:745,509, plus strand): 5'-CTGCACCAAGGCATGACTTGCACCAGGGCCACCAGAAAGCCTTTGCTGAACAGTCTGACC[T>C]CCTCAGGATTGCCCACGTCCACCACCAAGAGAGACAGCATCCTCTCCGAGATGCCGCTGG-3'
Protein context (NP_056536.2, residues 835-855): LLVVDVGNPE[Glu845Gly]VRLFSKGFLV

ClinVar aggregate classification (germline): Uncertain significance (1 of 4 stars; one submission).

Submission:

GeneDx
Classification: Uncertain significance. Last evaluated: 2023-07-24. Review status: criteria provided, single submitter. Criteria: GeneDx Variant Classification Process June 2021. Collection method: clinical testing. Allele origin: germline. Affected: yes.
Comment: Not observed at significant frequency in large population cohorts (gnomAD); In silico analysis supports that this missense variant has a deleterious effect on protein structure/function; Has not been previously published as pathogenic or benign to our knowledge